The following is an entry in ClinVar:

NM_005012.4(ROR1):c.553C>A (p.Arg185Ser)

Gene: ROR1 (receptor tyrosine kinase like orphan receptor 1; plus strand). Cytogenetic location: 1p31.3.
Variant type: single nucleotide variant.
Coding change: c.553C>A on transcript NM_005012.4 (MANE Select); coding-DNA position 553, C replaced by A.
Protein change: p.Arg185Ser; replaces arginine 185 with serine.
Molecular consequence: missense variant.
Genome position (GRCh38, 1-based): chr1:64,137,439, C>A. VCF-style: chr1-64137439-C-A. GRCh37 (hg19) VCF-style: chr1-64603122-C-A.
Other names: c.553C>A, p.Arg185Ser (NM_001083592.2); short protein forms R185S.
Identifiers: ClinVar variation 1923488 (VCV001923488.5), dbSNP rs773146068, ClinGen allele CA890098.
Genomic context (GRCh38, chr1:64,137,439, plus strand): 5'-GAAGAAGATGGATTCTGTCAGCCATACAGAGGGATTGCATGTGCAAGATTTATTGGCAAC[C>A]GCACCGTCTATATGGAGTCTTTGCACATGCAAGGGGAAATAGAAAATCAGATCACAGGTA-3'
Protein context (NP_005003.2, residues 175-195): GIACARFIGN[Arg185Ser]TVYMESLHMQ

ClinVar aggregate classification (germline): Uncertain significance (1 of 4 stars; one submission).

Allele frequency attached by ClinVar (database versions not stated): ExAC 0.00001; gnomAD 0.00001.
gnomAD v4.1: 5 of 1,613,780 alleles (0.00031%); highest among the groups gnomAD compares: Admixed American, 0.0017%; no homozygotes.

Submission:

Labcorp Genetics (formerly Invitae), Labcorp
Classification: Uncertain significance. Last evaluated: 2024-12-02. Review status: criteria provided, single submitter. Criteria: Invitae Variant Classification Sherloc (09022015). Collection method: clinical testing. Allele origin: germline.
Comment: This sequence change replaces arginine, which is basic and polar, with serine, which is neutral and polar, at codon 185 of the ROR1 protein (p.Arg185Ser). This variant is present in population databases (rs773146068, gnomAD 0.003%). This variant has not been reported in the literature in individuals affected with ROR1-related conditions. ClinVar contains an entry for this variant (Variation ID: 1923488). Invitae Evidence Modeling of protein sequence and biophysical properties (such as structural, functional, and spatial information, amino acid conservation, physicochemical variation, residue mobility, and thermodynamic stability) indicates that this missense variant is not expected to disrupt ROR1 protein function with a negative predictive value of 80%. In summary, the available evidence is currently insufficient to determine the role of this variant in disease. Therefore, it has been classified as a Variant of Uncertain Significance.